The following is an entry in ClinVar:

NM_022051.3(EGLN1):c.482A>G (p.Asn161Ser)

Gene: EGLN1 (egl-9 family hypoxia inducible factor 1; minus strand). Cytogenetic location: 1q42.2.
Variant type: single nucleotide variant.
Coding change: c.482A>G on transcript NM_022051.3 (MANE Select); coding-DNA position 482, A replaced by G.
Protein change: p.Asn161Ser; replaces asparagine 161 with serine.
Molecular consequence: missense variant.
Genome position (GRCh38, 1-based): chr1:231,421,407, T>C on the plus strand (A>G on the coding strand, the complement: EGLN1 is on the minus strand). VCF-style: chr1-231421407-T-C. GRCh37 (hg19) VCF-style: chr1-231557153-T-C.
Other names: c.482A>G, p.Asn161Ser (NM_001377260.1, NM_001377261.1); short protein forms N161S.
Identifiers: ClinVar variation 1743405 (VCV001743405.2), dbSNP rs1656592590, ClinGen allele CA345236817.

ClinVar aggregate classification (germline): Uncertain significance (1 of 4 stars; one submission).

Allele frequency attached by ClinVar (database versions not stated): gnomAD 0.00001.

Submission:

Ambry Genetics
Classification: Uncertain significance. Last evaluated: 2022-05-12. Review status: criteria provided, single submitter. Criteria: Ambry Variant Classification Scheme 2023. Collection method: clinical testing. Allele origin: germline.
Comment: The p.N161S variant (also known as c.482A>G), located in coding exon 1 of the EGLN1 gene, results from an A to G substitution at nucleotide position 482. The asparagine at codon 161 is replaced by serine, an amino acid with highly similar properties. This amino acid position is conserved. In addition, this alteration is predicted to be tolerated by in silico analysis. Since supporting evidence is limited at this time, the clinical significance of this alteration remains unclear.